The following is an entry in ClinVar:

NM_000388.4(CASR):c.3050A>G (p.Gln1017Arg)

Gene: CASR (calcium sensing receptor; plus strand). Cytogenetic location: 3q21.1.
Variant type: single nucleotide variant.
Coding change: c.3050A>G on transcript NM_000388.4 (MANE Select); coding-DNA position 3050, A replaced by G.
Protein change: p.Gln1017Arg; replaces glutamine 1017 with arginine.
Molecular consequence: missense variant.
Genome position (GRCh38, 1-based): chr3:122,285,004, A>G. VCF-style: chr3-122285004-A-G. GRCh37 (hg19) VCF-style: chr3-122003851-A-G.
Other names: c.3080A>G, p.Gln1027Arg (NM_001178065.2); short protein forms Q1027R, Q1017R.
Identifiers: ClinVar variation 1799265 (VCV001799265.4), dbSNP rs779116209, ClinGen allele CA2569924.
Genomic context (GRCh38, chr3:122,285,004, plus strand): 5'-CCCTGGAGGCCCAGAAAAGCAGCGATACGCTGACCCGACACGAGCCATTACTCCCGCTGC[A>G]GTGCGGGGAAACGGACTTAGATCTGACCGTCCAGGAAACAGGTCTGCAAGGACCTGTGGG-3'
Protein context (NP_000379.3, residues 1007-1027): LTRHEPLLPL[Gln1017Arg]CGETDLDLTV

ClinVar aggregate classification (germline): Uncertain significance. Review status: criteria provided, multiple submitters, no conflicts (2 of 4 stars). 2 submissions from 2 submitters: Uncertain significance (2). Last evaluated 2024-02-06.

Conditions:
Familial hypocalciuric hypercalcemia (FHH). Also called: Familial benign hypercalcemia. Identifiers: Orphanet 405, MedGen C1809471, MONDO:0018458.
Autosomal dominant hypocalcemia 1 (HYPOC1). Also called: HYPOCALCEMIA, FAMILIAL. Identifiers: MedGen C3715128, MONDO:0011013, OMIM 601198.
Nephrolithiasis/nephrocalcinosis. Identifiers: MedGen CN580796.

Allele frequency attached by ClinVar (database versions not stated): ExAC 0.00001.
gnomAD v4.1: 1 of 1,614,214 alleles (0.000062%); highest among the groups gnomAD compares: South Asian, 0.0011%; no homozygotes.

Submissions (2):

Labcorp Genetics (formerly Invitae), Labcorp
Classification: Uncertain significance for Familial hypocalciuric hypercalcemia; Autosomal dominant hypocalcemia 1. Last evaluated: 2024-02-06. Review status: criteria provided, single submitter. Criteria: Invitae Variant Classification Sherloc (09022015). Collection method: clinical testing. Allele origin: germline.
Comment: This sequence change replaces glutamine, which is neutral and polar, with arginine, which is basic and polar, at codon 1017 of the CASR protein (p.Gln1017Arg). This variant is present in population databases (rs779116209, gnomAD 0.003%). This variant has not been reported in the literature in individuals affected with CASR-related conditions. ClinVar contains an entry for this variant (Variation ID: 1799265). An algorithm developed to predict the effect of missense changes on protein structure and function (PolyPhen-2) suggests that this variant is likely to be tolerated. In summary, the available evidence is currently insufficient to determine the role of this variant in disease. Therefore, it has been classified as a Variant of Uncertain Significance.

Ambry Genetics
Classification: Uncertain significance for Nephrolithiasis/nephrocalcinosis. Last evaluated: 2021-10-05. Review status: criteria provided, single submitter. Criteria: Ambry Variant Classification Scheme 2023. Collection method: clinical testing. Allele origin: germline.
Comment: The p.Q1017R variant (also known as c.3050A>G), located in coding exon 6 of the CASR gene, results from an A to G substitution at nucleotide position 3050. The glutamine at codon 1017 is replaced by arginine, an amino acid with highly similar properties. This amino acid position is conserved. In addition, this alteration is predicted to be tolerated by in silico analysis. Since supporting evidence is limited at this time, the clinical significance of this alteration remains unclear.